The following is an entry in ClinVar:

NM_004525.3(LRP2):c.2726A>G (p.His909Arg)

Gene: LRP2 (LDL receptor related protein 2; minus strand). Cytogenetic location: 2q31.1.
Variant type: single nucleotide variant.
Coding change: c.2726A>G on transcript NM_004525.3 (MANE Select); coding-DNA position 2726, A replaced by G.
Protein change: p.His909Arg; replaces histidine 909 with arginine.
Molecular consequence: missense variant.
Genome position (GRCh38, 1-based): chr2:169,256,150, T>C on the plus strand (A>G on the coding strand, the complement: LRP2 is on the minus strand). VCF-style: chr2-169256150-T-C. GRCh37 (hg19) VCF-style: chr2-170112660-T-C.
Other names: short protein forms H909R.
Identifiers: ClinVar variation 332187 (VCV000332187.18), dbSNP rs36082715, ClinGen allele CA1955224.

ClinVar aggregate classification (germline): Benign. Review status: criteria provided, multiple submitters, no conflicts (2 of 4 stars). 4 submissions from 4 submitters: Benign (4). Last evaluated 2026-02-04.

Conditions:
Donnai-Barrow syndrome. Also called: DBS/FOAR SYNDROME; FACIOOCULOACOUSTICORENAL SYNDROME. Identifiers: Orphanet 2143, MedGen C1857277, MONDO:0009104, OMIM 222448.

Allele frequency attached by ClinVar (database versions not stated): ESP Exome Variant Server 0.01369; gnomAD 0.01398 and 0.01487; TOPMed 0.01582; 1000 Genomes Project 0.02057; 1000 Genomes Project 30x 0.02139.
gnomAD v4.1: 4,317 of 1,613,062 alleles (0.27%); highest among the groups gnomAD compares: African/African-American, 4.7%; 80 homozygotes.

Submissions (4):

Labcorp Genetics (formerly Invitae), Labcorp
Classification: Benign. Last evaluated: 2026-02-04. Review status: criteria provided, single submitter. Criteria: Invitae Variant Classification Sherloc (09022015). Collection method: clinical testing. Allele origin: germline.

Genome-Nilou Lab
Classification: Benign for Donnai-Barrow syndrome. Last evaluated: 2021-07-15. Review status: criteria provided, single submitter. Criteria: ACMG Guidelines, 2015. Collection method: clinical testing. Allele origin: germline. Affected: no.

Illumina Laboratory Services, Illumina
Classification: Benign for Donnai-Barrow syndrome. Last evaluated: 2018-01-12. Review status: criteria provided, single submitter. Criteria: ICSL Variant Classification Criteria 13 December 2019. Collection method: clinical testing. Allele origin: germline.
Comment: This variant was observed in the ICSL laboratory as part of a predisposition screen in an ostensibly healthy population. It had not been previously curated by ICSL or reported in the Human Gene Mutation Database (HGMD: prior to June 1st, 2018), and was therefore a candidate for classification through an automated scoring system. Utilizing variant allele frequency, disease prevalence and penetrance estimates, and inheritance mode, an automated score was calculated to assess if this variant is too frequent to cause the disease. Based on the score and internal cut-off values, a variant classified as benign is not then subjected to further curation. The score for this variant resulted in a classification of benign for this disease.

Breakthrough Genomics
Classification: Benign. Review status: criteria provided, single submitter. Criteria: ACMG Guidelines, 2015. Collection method: not provided. Allele origin: germline. Inheritance: Autosomal recessive inheritance. Affected: yes.